The following is an entry in ClinVar:

ClinVar aggregate classification (germline): Uncertain significance (1 of 4 stars; one submission).

Conditions:
Severe combined immunodeficiency due to DNA-PKcs deficiency. Also called: IMMUNODEFICIENCY 26 WITH NEUROLOGIC ABNORMALITIES; Immunodeficiency 26 with or without neurologic abnormalities. Identifiers: Orphanet 317425, MedGen C4014833, MONDO:0014423, OMIM 615966.

gnomAD v4.1: 2 of 1,613,986 alleles (0.00012%); highest among the groups gnomAD compares: South Asian, 0.0011%; no homozygotes.

Submission:

Labcorp Genetics (formerly Invitae), Labcorp
Classification: Uncertain significance for Severe combined immunodeficiency due to DNA-PKcs deficiency. Last evaluated: 2023-04-20. Review status: criteria provided, single submitter. Criteria: Invitae Variant Classification Sherloc (09022015). Collection method: clinical testing. Allele origin: germline.
Comment: In summary, the available evidence is currently insufficient to determine the role of this variant in disease. Therefore, it has been classified as a Variant of Uncertain Significance. Advanced modeling of protein sequence and biophysical properties (such as structural, functional, and spatial information, amino acid conservation, physicochemical variation, residue mobility, and thermodynamic stability) performed at Invitae indicates that this missense variant is expected to disrupt PRKDC protein function. This variant has not been reported in the literature in individuals affected with PRKDC-related conditions. This variant is present in population databases (no rsID available, gnomAD 0.0009%). This sequence change replaces methionine, which is neutral and non-polar, with valine, which is neutral and non-polar, at codon 3238 of the PRKDC protein (p.Met3238Val).

NM_006904.7(PRKDC):c.9712A>G (p.Met3238Val)

Gene: PRKDC (protein kinase, DNA-activated, catalytic subunit; minus strand). Cytogenetic location: 8q11.21.
Variant type: single nucleotide variant.
Coding change: c.9712A>G on transcript NM_006904.7 (MANE Select); coding-DNA position 9712, A replaced by G.
Protein change: p.Met3238Val; replaces methionine 3238 with valine.
Molecular consequence: missense variant.
Genome position (GRCh38, 1-based): chr8:47,807,172, T>C on the plus strand (A>G on the coding strand, the complement: PRKDC is on the minus strand). VCF-style: chr8-47807172-T-C. GRCh37 (hg19) VCF-style: chr8-48719733-T-C.
Other names: c.9712A>G, p.Met3238Val (NM_001081640.2); short protein forms M3238V.
Identifiers: ClinVar variation 2777113 (VCV002777113.3), dbSNP rs769824325, ClinGen allele CA371137215.